The following is an entry in ClinVar:

NM_001079802.2(FKTN):c.1200C>G (p.Cys400Trp)

Gene: FKTN (fukutin; plus strand). Cytogenetic location: 9q31.2.
Variant type: single nucleotide variant.
Coding change: c.1200C>G on transcript NM_001079802.2 (MANE Select); coding-DNA position 1200, C replaced by G.
Protein change: p.Cys400Trp; replaces cysteine 400 with tryptophan.
Molecular consequence: missense variant. On other transcripts: non-coding transcript variant (2).
Genome position (GRCh38, 1-based): chr9:105,635,078, C>G. VCF-style: chr9-105635078-C-G. GRCh37 (hg19) VCF-style: chr9-108397359-C-G.
Other names: c.1200C>G, p.Cys400Trp (NM_001198963.2, NM_001351496.2, NM_006731.2); c.1131C>G, p.Cys377Trp (NM_001351497.2); c.1231C>G, p.Leu411Val (NM_001351498.2); c.804C>G, p.Cys268Trp (NM_001351499.2, NM_001351500.2, NM_001351501.2 and 1 more transcripts); short protein forms C268W, C377W, C400W, L411V.
Identifiers: ClinVar variation 1370760 (VCV001370760.6), dbSNP rs2133450925, ClinGen allele CA374378061.

ClinVar aggregate classification (germline): Uncertain significance (1 of 4 stars; one submission).

Conditions:
Walker-Warburg congenital muscular dystrophy. Also called: Muscular dystrophy-dystroglycanopathy, type A; Walker-Warburg syndrome. Identifiers: Orphanet 899, MedGen C0265221, MONDO:0000171.

Submission:

Labcorp Genetics (formerly Invitae), Labcorp
Classification: Uncertain significance for Walker-Warburg congenital muscular dystrophy. Last evaluated: 2025-09-02. Review status: criteria provided, single submitter. Criteria: Invitae Variant Classification Sherloc (09022015). Collection method: clinical testing. Allele origin: germline.
Comment: This sequence change replaces cysteine, which is neutral and slightly polar, with tryptophan, which is neutral and slightly polar, at codon 400 of the FKTN protein (p.Cys400Trp). This variant is not present in population databases (gnomAD no frequency). This variant has not been reported in the literature in individuals affected with FKTN-related conditions. ClinVar contains an entry for this variant (Variation ID: 1370760). Invitae Evidence Modeling of protein sequence and biophysical properties (such as structural, functional, and spatial information, amino acid conservation, physicochemical variation, residue mobility, and thermodynamic stability) indicates that this missense variant is expected to disrupt FKTN protein function with a positive predictive value of 95%. In summary, the available evidence is currently insufficient to determine the role of this variant in disease. Therefore, it has been classified as a Variant of Uncertain Significance.